The following is an entry in ClinVar:

ClinVar aggregate classification (germline): Uncertain significance (1 of 4 stars; one submission).

Conditions:
Galactosylceramide beta-galactosidase deficiency. Also called: Leukodystrophy, Globoid Cell; Krabbe Disease; GALACTOCEREBROSIDASE DEFICIENCY; GALC DEFICIENCY; GLOBOID CELL LEUKOENCEPHALOPATHY. Identifiers: Orphanet 487, MedGen C0023521, MONDO:0009499, OMIM 245200.

Submission:

Labcorp Genetics (formerly Invitae), Labcorp
Classification: Uncertain significance for Galactosylceramide beta-galactosidase deficiency. Last evaluated: 2025-01-08. Review status: criteria provided, single submitter. Criteria: Invitae Variant Classification Sherloc (09022015). Collection method: clinical testing. Allele origin: germline.
Comment: This sequence change replaces lysine, which is basic and polar, with glutamic acid, which is acidic and polar, at codon 414 of the GALC protein (p.Lys414Glu). This variant is not present in population databases (gnomAD no frequency). This variant has not been reported in the literature in individuals affected with GALC-related conditions. Invitae Evidence Modeling of protein sequence and biophysical properties (such as structural, functional, and spatial information, amino acid conservation, physicochemical variation, residue mobility, and thermodynamic stability) has been performed for this missense variant. However, the output from this modeling did not meet the statistical confidence thresholds required to predict the impact of this variant on GALC protein function. In summary, the available evidence is currently insufficient to determine the role of this variant in disease. Therefore, it has been classified as a Variant of Uncertain Significance.

NM_000153.4(GALC):c.1240A>G (p.Lys414Glu)

Gene: GALC (galactosylceramidase; minus strand). Cytogenetic location: 14q31.3.
Variant type: single nucleotide variant.
Coding change: c.1240A>G on transcript NM_000153.4 (MANE Select); coding-DNA position 1240, A replaced by G.
Protein change: p.Lys414Glu; replaces lysine 414 with glutamic acid.
Molecular consequence: missense variant. On other transcripts: non-coding transcript variant (1).
Genome position (GRCh38, 1-based): chr14:87,950,670, T>C on the plus strand (A>G on the coding strand, the complement: GALC is on the minus strand). VCF-style: chr14-87950670-T-C. GRCh37 (hg19) VCF-style: chr14-88417014-T-C.
Other names: c.1171A>G, p.Lys391Glu (NM_001201401.2); c.1162A>G, p.Lys388Glu (NM_001201402.2); c.1072A>G, p.Lys358Glu (NM_001424071.1, NM_001424072.1, NM_001424073.1); c.892A>G, p.Lys298Glu (NM_001424074.1, NM_001424075.1); c.607A>G, p.Lys203Glu (NM_001424076.1, NM_001424077.1); short protein forms K203E, K298E, K358E, K388E, K391E, K414E.
Identifiers: ClinVar variation 3618526 (VCV003618526.2).
Genomic context (GRCh38, chr14:87,950,670, plus strand): 5'-TATAAATTCTTAAATCAAAACTAAAATAAAGTTAAACATATTTACTTACAAAAGATCCCT[T>C]AAGAACAAAGGTGGCAAATTGTTGTGACACATTGAAATAAGGAAGAAATGGCCGTATGCA-3'
Protein context (NP_000144.2, residues 404-424): VSQQFATFVL[Lys414Glu]GSFSEIPELQ